The following is an entry in ClinVar:

ClinVar aggregate classification (germline): Benign. Review status: reviewed by expert panel (3 of 4 stars). 18 submissions from 18 submitters: Benign (1). 17 of the submissions do not count toward it. Last evaluated 2022-08-25.

Conditions:
CDKL5 disorder. Identifiers: MedGen CN296942, MONDO:0100039.
History of neurodevelopmental disorder. Identifiers: MedGen C2711754.
Angelman syndrome-like. Identifiers: MedGen CN128785.
Developmental and epileptic encephalopathy, 2 (DEE2). Also called: CDKL5 deficiency disorder; INFANTILE SPASM SYNDROME, X-LINKED 2. Identifiers: Orphanet 1934, Orphanet 3451, Orphanet 505652, MedGen C4750718, MONDO:0010396, OMIM 300672.
CDKL5-related disorder.

Allele frequency attached by ClinVar (database versions not stated): 1000 Genomes Project 30x 0.00166; ESP Exome Variant Server 0.00275; TOPMed 0.00330; gnomAD 0.00352 and 0.00350; ExAC 0.00395; 1000 Genomes Project 0.00132; gnomAD exomes 0.00415 and 0.00444.
gnomAD v4.1: 5,300 of 1,210,189 alleles (0.44%); highest among the groups gnomAD compares: Middle Eastern, 0.9%; 20 homozygotes.

Submissions (18):

ClinGen Rett and Angelman-like Disorders Variant Curation Expert Panel
Classification: Benign for CDKL5 disorder. Last evaluated: 2022-08-25. Review status: reviewed by expert panel. Criteria: ClinGen RettAS ACMG Specifications V2. Collection method: curation. Allele origin: germline. Inheritance: X-linked inheritance.
Comment: The allele frequency of the p.Thr1028= variant in CDKL5 is 2.6% in Ashkenazi Jewish sub population in gnomAD, which is high enough to be classified as benign based on thresholds defined by the ClinGen Rett/Angelman-like Expert Panel for Rett/AS-like conditions (BA1). The p.Thr1028= variant is observed in at least 2 unaffected individuals (internal database, BS2). In summary, the p.Thr1028= variant in CDKL5 is classified as benign based on the ACMG/AMP criteria (BA1, BS2).

Labcorp Genetics (formerly Invitae), Labcorp
Classification: Benign for Developmental and epileptic encephalopathy, 2; Angelman syndrome-like. Last evaluated: 2026-02-03. Review status: criteria provided, single submitter. Criteria: Invitae Variant Classification Sherloc (09022015). Collection method: clinical testing. Allele origin: germline. Not counted in ClinVar's aggregate classification.

ARUP Laboratories, Molecular Genetics and Genomics, ARUP Laboratories
Classification: Benign for Developmental and epileptic encephalopathy, 2. Last evaluated: 2025-03-20. Review status: criteria provided, single submitter. Criteria: ARUP Molecular Germline Variant Investigation Process 2024. Collection method: clinical testing. Allele origin: germline. Not counted in ClinVar's aggregate classification.

Athena Diagnostics
Classification: Benign. Last evaluated: 2025-01-30. Review status: criteria provided, single submitter. Criteria: Athena Diagnostics Criteria. Collection method: clinical testing. Allele origin: unknown. Not counted in ClinVar's aggregate classification.
Comment: The frequency of this variant in the general population is higher than would generally be expected for pathogenic variants in this gene.

Blueprint Genetics
Classification: Likely benign. Last evaluated: 2024-11-27. Review status: criteria provided, single submitter. Criteria: ACMG Guidelines, 2015. Collection method: clinical testing. Allele origin: germline. Not counted in ClinVar's aggregate classification.

Centre for Population Genomics, CPG
Classification: Benign for CDKL5 disorder. Last evaluated: 2024-07-02. Review status: criteria provided, single submitter. Criteria: McKnight et al. (Hum Mutat. 2022). Collection method: curation. Allele origin: germline. Inheritance: X-linked inheritance. Not counted in ClinVar's aggregate classification.
Comment: This variant has been collected from RettBASE and curated to current modified ACMG/AMP criteria. Based on the classification scheme defined by the ClinGen Rett/Angelman-like Expert Panel for Rett/AS-like Disorders Specifications to the ACMG/AMP Variant Interpretation Guidelines VCEP 3.0, this variant is classified as benign. At least the following criteria are met: The allele frequency of this variant in at least one population in gnomAD v3 is higher than the 0.03% threshold defined by the ClinGen Rett/Angelman-like Expert Panel for Rett/AS-like Disorders VCEP 3.0 (BA1).

Mayo Clinic Laboratories, Mayo Clinic
Classification: Benign. Last evaluated: 2021-06-09. Review status: criteria provided, single submitter. Criteria: ACMG Guidelines, 2015. Collection method: clinical testing. Allele origin: germline. Observed: 2 variant alleles. Not counted in ClinVar's aggregate classification.

Ambry Genetics
Classification: Likely benign for History of neurodevelopmental disorder. Last evaluated: 2016-07-27. Review status: criteria provided, single submitter. Criteria: Ambry Autosomal Dominant and X-Linked criteria (10/2015). Collection method: clinical testing. Allele origin: germline. Observed: 1 variant allele. Not counted in ClinVar's aggregate classification.

CeGaT Center for Human Genetics Tuebingen
Classification: Uncertain significance. Last evaluated: 2016-06-01. Review status: criteria provided, single submitter. Criteria: CeGaT Center For Human Genetics Tuebingen Variant Classification Criteria Version 2. Collection method: clinical testing. Allele origin: germline. Affected: yes. Observed: 1 variant allele. Not counted in ClinVar's aggregate classification.

Genetic Services Laboratory, University of Chicago
Classification: Benign. Last evaluated: 2013-02-08. Review status: criteria provided, single submitter. Criteria: ACMG Guidelines, 2007. Collection method: clinical testing. Allele origin: germline. Inheritance: X-linked inheritance. Not counted in ClinVar's aggregate classification.

Eurofins Ntd Llc (ga)
Classification: Benign. Last evaluated: 2012-12-11. Review status: criteria provided, single submitter. Criteria: EGL Classification Definitions 2015. Collection method: clinical testing. Allele origin: germline. Observed: 2 variant alleles, 1 heterozygote, 1 hemizygote. Not counted in ClinVar's aggregate classification.

GeneDx
Classification: Benign. Last evaluated: 2012-03-15. Review status: criteria provided, single submitter. Criteria: GeneDx Variant Classification (06012015). Collection method: clinical testing. Allele origin: germline. Affected: yes. Not counted in ClinVar's aggregate classification.
Comment: This variant is considered likely benign or benign based on one or more of the following criteria: it is a conservative change, it occurs at a poorly conserved position in the protein, it is predicted to be benign by multiple in silico algorithms, and/or has population frequency not consistent with disease.

PreventionGenetics, part of Exact Sciences
Classification: Benign for CDKL5-related condition. Last evaluated: 2019-04-03. Review status: no assertion criteria provided. Collection method: clinical testing. Allele origin: germline. Not counted in ClinVar's aggregate classification.
Comment: This variant is classified as benign based on ACMG/AMP sequence variant interpretation guidelines (Richards et al. 2015 PMID: 25741868, with internal and published modifications).

RettBASE
Classification: Benign. Last evaluated: 2014-05-15. Review status: no assertion criteria provided. Collection method: curation. Allele origin: unknown, maternal. Observed: 14 variant alleles. Not counted in ClinVar's aggregate classification.
Comment: Silent mutation, often found in cis with c.145+17A>G and c.3003G>A (p.H1001H)

Clinical Genetics DNA and cytogenetics Diagnostics Lab, Erasmus MC, Erasmus Medical Center
Classification: Likely benign. Review status: no assertion criteria provided. Collection method: clinical testing. Allele origin: germline. Affected: yes. Study: VKGL Data-share Consensus. Not counted in ClinVar's aggregate classification.

Diagnostic Laboratory, Department of Genetics, University Medical Center Groningen
Classification: Likely benign for Developmental and epileptic encephalopathy, 2. Review status: no assertion criteria provided. Collection method: clinical testing. Allele origin: germline. Affected: yes. Study: VKGL Data-share Consensus. Not counted in ClinVar's aggregate classification.

Genome Diagnostics Laboratory, University Medical Center Utrecht
Classification: Benign. Review status: no assertion criteria provided. Collection method: clinical testing. Allele origin: germline. Affected: yes. Study: VKGL Data-share Consensus. Not counted in ClinVar's aggregate classification.

Joint Genome Diagnostic Labs from Nijmegen and Maastricht, Radboudumc and MUMC+
Classification: Benign. Review status: no assertion criteria provided. Collection method: clinical testing. Allele origin: germline. Affected: yes. Study: VKGL Data-share Consensus. Not counted in ClinVar's aggregate classification.

Literature cited by the submitters: PubMed 22867051 (cited by Athena Diagnostics and RettBASE); PubMed 15499549 (cited by RettBASE); PubMed 19241098 (cited by RettBASE); PubMed 20479760 (cited by RettBASE); PubMed 21160487 (cited by RettBASE).

NM_000330.4(RS1):c.184+3118C>T

Genes: CDKL5 (cyclin dependent kinase like 5; plus strand), RS1 (retinoschisin 1; minus strand). Cytogenetic location: Xp22.13.
Variant type: single nucleotide variant.
Coding change: c.184+3118C>T on transcript NM_000330.4 (MANE Select); 3118 bases into the intron after coding-DNA position 184, C replaced by T.
Molecular consequence: intron variant. On other transcripts: synonymous variant (2).
Genome position (GRCh38, 1-based): chrX:18,653,535, G>A on the plus strand (C>T on the coding strand, the complement: RS1 is on the minus strand). VCF-style: chrX-18653535-G-A. GRCh37 (hg19) VCF-style: chrX-18671655-G-A.
Other names: p.T1028T:ACG>ACA; NM_003159.2(CDKL5):c.3084G>A; p.Thr1028=; c.3084G>A, p.Thr1028= (NM_001037343.2, NM_003159.3).
Identifiers: ClinVar variation 94112 (VCV000094112.69), dbSNP rs139155110, ClinGen allele CA147633.